The following is an entry in ClinVar:

NC_000016.9:g.(?_75428968)_(75690509_?)del

Genes: ADAT1 (adenosine deaminase tRNA specific 1; minus strand), CFDP1 (craniofacial development protein 1; minus strand), CHST5 (carbohydrate sulfotransferase 5; minus strand), CHST6 (carbohydrate sulfotransferase 6; minus strand), GABARAPL2 (GABA type A receptor associated protein like 2; plus strand) and 4 more. Cytogenetic location: 16q23.1.
Variant type: Deletion.
Identifiers: ClinVar variation 1682045 (VCV001682045.4).

ClinVar aggregate classification (germline): Pathogenic (1 of 4 stars; one submission).

Submission:

Labcorp Genetics (formerly Invitae), Labcorp
Classification: Pathogenic. Last evaluated: 2022-09-02. Review status: criteria provided, single submitter. Criteria: Invitae Variant Classification Sherloc (09022015). Collection method: clinical testing. Allele origin: germline.
Comment: For these reasons, this variant has been classified as Pathogenic. This variant has not been reported in the literature in individuals affected with KARS-related conditions. A gross deletion of the genomic region encompassing the full coding sequence of the KARS gene has been identified. Loss-of-function variants in KARS are known to be pathogenic (PMID: 30252186, 33942428). The boundaries of this event are unknown as they extend beyond the assayed region for this gene and therefore may encompass additional genes.

Literature cited by the submitters: PubMed 30252186; PubMed 33942428.